The following is an entry in ClinVar:

NM_032119.4(ADGRV1):c.13568G>C (p.Ser4523Thr)

Gene: ADGRV1 (adhesion G protein-coupled receptor V1; plus strand). Cytogenetic location: 5q14.3.
Variant type: single nucleotide variant.
Coding change: c.13568G>C on transcript NM_032119.4 (MANE Select); coding-DNA position 13568, G replaced by C.
Protein change: p.Ser4523Thr; replaces serine 4523 with threonine.
Molecular consequence: missense variant. On other transcripts: non-coding transcript variant (1).
Genome position (GRCh38, 1-based): chr5:90,783,972, G>C. VCF-style: chr5-90783972-G-C. GRCh37 (hg19) VCF-style: chr5-90079789-G-C.
Other names: c.13568G>C (NM_032119.3); short protein forms S4523T.
Identifiers: ClinVar variation 2152004 (VCV002152004.9), dbSNP rs376673439, ClinGen allele CA3341554.

ClinVar aggregate classification (germline): Conflicting classifications of pathogenicity. Review status: criteria provided, conflicting classifications (1 of 4 stars). 5 submissions from 5 submitters: Uncertain significance (4); Likely benign (1). Last evaluated 2026-08-29.

Conditions:
Febrile seizures, familial, 4 (FEB4). Also called: CONVULSIONS, FAMILIAL FEBRILE, 4. Identifiers: MedGen C1858493, MONDO:0011443, OMIM 604352.
Usher syndrome type 2C. Also called: USHER SYNDROME, TYPE IIC; Usher syndrome, type 2B. Identifiers: Orphanet 231178, Orphanet 886, MedGen C2931213, MONDO:0011558, OMIM 605472.
ADGRV1-related disorder. Also called: ADGRV1-related condition; ADGRV1-related disorders.

Allele frequency attached by ClinVar (database versions not stated): TOPMed 0.00003; gnomAD 0.00005; ExAC 0.00006; ESP Exome Variant Server 0.00025.
gnomAD v4.1: 83 of 1,612,234 alleles (0.0051%); highest among the groups gnomAD compares: Admixed American, 0.01%; 1 homozygote.

Submissions (5):

GeneDx
Classification: Uncertain significance. Last evaluated: 2026-08-29. Review status: criteria provided, single submitter. Criteria: GeneDx Variant Classification Process June 2021. Collection method: clinical testing. Allele origin: germline.
Comment: Identified in a patient with epilepsy/seizures and reported to have been paternally inherited in published literature (PMID: 29266188); In silico analysis suggests that this missense variant does not alter protein structure/function; This variant is associated with the following publications: (PMID: 29266188)

PreventionGenetics, part of Exact Sciences
Classification: Uncertain significance for ADGRV1-related condition. Last evaluated: 2026-06-09. Review status: criteria provided, single submitter. Criteria: ACMG Guidelines, 2015. Collection method: clinical testing. Allele origin: germline.
Comment: The ADGRV1 c.13568G>C variant is predicted to result in the amino acid substitution p.Ser4523Thr. To our knowledge, this variant has not been reported in the literature. This variant is reported in 0.0099% of alleles in individuals of European (Non-Finnish) descent in gnomAD. At this time, the clinical significance of this variant is uncertain due to the absence of conclusive functional and genetic evidence.

Labcorp Genetics (formerly Invitae), Labcorp
Classification: Likely benign. Last evaluated: 2025-07-06. Review status: criteria provided, single submitter. Criteria: Invitae Variant Classification Sherloc (09022015). Collection method: clinical testing. Allele origin: germline.

Blueprint Genetics
Classification: Uncertain significance. Last evaluated: 2024-08-23. Review status: criteria provided, single submitter. Criteria: ACMG Guidelines, 2015. Collection method: clinical testing. Allele origin: germline.

Fulgent Genetics
Classification: Uncertain significance for Febrile seizures, familial, 4; Usher syndrome type 2C. Last evaluated: 2024-03-28. Review status: criteria provided, single submitter. Criteria: ACMG Guidelines, 2015. Collection method: clinical testing. Allele origin: germline.